The following is an entry in ClinVar:

NM_000179.3(MSH6):c.3804A>G (p.Ala1268=)

Gene: MSH6 (mutS homolog 6; plus strand). Cytogenetic location: 2p16.3.
Variant type: single nucleotide variant.
Coding change: c.3804A>G on transcript NM_000179.3 (MANE Select); coding-DNA position 3804, A replaced by G.
Protein change: p.Ala1268=; no amino-acid change (alanine 1268 retained).
Molecular consequence: synonymous variant.
Genome position (GRCh38, 1-based): chr2:47,806,454, A>G. VCF-style: chr2-47806454-A-G. GRCh37 (hg19) VCF-style: chr2-48033593-A-G.
Other names: c.3414A>G, p.Ala1138= (NM_001281492.2); c.2898A>G, p.Ala966= (NM_001281493.2, NM_001281494.2).
Identifiers: ClinVar variation 696482 (VCV000696482.22), dbSNP rs1572746044, ClinGen allele CA426122103.

ClinVar aggregate classification (germline): Conflicting classifications of pathogenicity. Review status: criteria provided, conflicting classifications (1 of 4 stars). 6 submissions from 6 submitters: Uncertain significance (1); Benign (1); Likely benign (4). Last evaluated 2025-08-13.

Conditions:
Hereditary nonpolyposis colorectal neoplasms. Identifiers: MedGen C0009405, MeSH D003123.
Lynch syndrome. Identifiers: Orphanet 144, MedGen C4552100, MONDO:0005835. Disease mechanism: loss of function.
Lynch syndrome 5 (LYNCH5). Also called: Colorectal cancer, hereditary nonpolyposis, type 5; Hereditary non-polyposis colorectal cancer, type 5. Identifiers: Orphanet 144, MedGen C1833477, MONDO:0013710, OMIM 614350. Disease mechanism: loss of function.
Hereditary cancer-predisposing syndrome. Also called: Neoplastic Syndromes, Hereditary; Hereditary Cancer Syndrome; Tumor predisposition; Hereditary neoplastic syndrome. Identifiers: Orphanet 140162, MedGen C0027672, MeSH D009386, MONDO:0015356.

Submissions (6):

Labcorp Genetics (formerly Invitae), Labcorp
Classification: Likely benign for Hereditary nonpolyposis colorectal neoplasms. Last evaluated: 2025-08-13. Review status: criteria provided, single submitter. Criteria: Invitae Variant Classification Sherloc (09022015). Collection method: clinical testing. Allele origin: germline.

Myriad Genetics, Inc.
Classification: Benign for Lynch syndrome 5. Last evaluated: 2025-01-08. Review status: criteria provided, single submitter. Criteria: Myriad Autosomal Dominant, Autosomal Recessive and X-Linked Classification Criteria (2023). Collection method: clinical testing. Allele origin: unknown.
Comment: This variant is considered benign. This variant is a silent/synonymous amino acid change and it is not expected to impact splicing.

All of Us Research Program, National Institutes of Health
Classification: Likely benign for Lynch syndrome. Last evaluated: 2023-09-17. Review status: criteria provided, single submitter. Criteria: ACMG Guidelines, 2015. Collection method: clinical testing. Allele origin: germline. Inheritance: Autosomal dominant inheritance. Observed: 1 variant allele, 1 heterozygote.
Comment: This study involves interpretation of variants in research participants for the purpose of population health screening. Participant phenotype was not available at the time of variant classification. Additional details can be found in publication PMID: 35346344, PMCID: PMC8962531

Color Diagnostics, LLC DBA Color Health
Classification: Likely benign for Hereditary cancer-predisposing syndrome. Last evaluated: 2023-09-05. Review status: criteria provided, single submitter. Criteria: ACMG Guidelines, 2015. Collection method: clinical testing. Allele origin: germline.

Ambry Genetics
Classification: Likely benign for Hereditary cancer-predisposing syndrome. Last evaluated: 2019-08-16. Review status: criteria provided, single submitter. Criteria: Ambry Variant Classification Scheme 2023. Collection method: clinical testing. Allele origin: germline.

Women's Health and Genetics/Laboratory Corporation of America, LabCorp
Classification: Uncertain significance. Last evaluated: 2019-07-10. Review status: criteria provided, single submitter. Criteria: LabCorp Variant Classification Summary - May 2015. Collection method: clinical testing. Allele origin: germline.
Comment: Variant summary: MSH6 c.3804A>G (p.Ala1268Ala) alters a non-conserved nucleotide located close to a canonical splice site and therefore could affect mRNA splicing, leading to a significantly altered protein sequence. 4/5 computational tools predict no significant impact on normal splicing. However, these predictions have yet to be confirmed by functional studies. The variant was absent in 251046 control chromosomes (gnomAD). The available data on variant occurrences in the general population are insufficient to allow any conclusion about variant significance. To our knowledge, no occurrence of c.3804A>G in individuals affected with Lynch Syndrome and no experimental evidence demonstrating its impact on protein function have been reported. No clinical diagnostic laboratories have submitted clinical-significance assessments for this variant to ClinVar after 2014. Based on the evidence outlined above, the variant was classified as a VUS - possibly benign variant.